The following is an entry in ClinVar:

NM_014334.4(FRRS1L):c.463-2A>G

Gene: FRRS1L (ferric chelate reductase 1 like; minus strand). Cytogenetic location: 9q31.3.
Variant type: single nucleotide variant.
Coding change: c.463-2A>G on transcript NM_014334.4 (MANE Select); the canonical splice acceptor site of the intron before coding-DNA position 463, A replaced by G.
Molecular consequence: splice acceptor variant.
Genome position (GRCh38, 1-based): chr9:109,141,591, T>C on the plus strand (A>G on the coding strand, the complement: FRRS1L is on the minus strand). VCF-style: chr9-109141591-T-C. GRCh37 (hg19) VCF-style: chr9-111903871-T-C.
Identifiers: ClinVar variation 570377 (VCV000570377.7), dbSNP rs1564229228, ClinGen allele CA374425418.

ClinVar aggregate classification (germline): Likely pathogenic (1 of 4 stars; one submission).

Conditions:
Developmental and epileptic encephalopathy, 37 (DEE37). Also called: Epileptic encephalopathy, early infantile, 37. Identifiers: MedGen C4310770, MONDO:0014859, OMIM 616981.

Allele frequency attached by ClinVar (database versions not stated): TOPMed below 0.00001.

Submission:

Labcorp Genetics (formerly Invitae), Labcorp
Classification: Likely pathogenic for Developmental and epileptic encephalopathy, 37. Last evaluated: 2017-08-16. Review status: criteria provided, single submitter. Criteria: Invitae Variant Classification Sherloc (09022015). Collection method: clinical testing. Allele origin: germline.
Comment: In summary, the currently available evidence indicates that the variant is pathogenic, but additional data are needed to prove that conclusively. Therefore, this variant has been classified as Likely Pathogenic. Donor and acceptor splice site variants typically lead to a loss of protein function (PMID: 16199547), and loss-of-function variants in FRRS1L are known to be pathogenic (PMID: 27236917). Algorithms developed to predict the effect of sequence changes on RNA splicing suggest that this variant may disrupt the consensus splice site, but this prediction has not been confirmed by published transcriptional studies. This variant has not been reported in the literature in individuals with FRRS1L-related disease. This variant is not present in population databases (ExAC no frequency). This sequence change affects an acceptor splice site in intron 3 of the FRRS1L gene. It is expected to disrupt RNA splicing and likely results in an absent or disrupted protein product.

Literature cited by the submitters: PubMed 16199547; PubMed 27236917.